The following is an entry in ClinVar:

ClinVar aggregate classification (germline): Uncertain significance (1 of 4 stars; one submission).

Submission:

Ambry Genetics
Classification: Uncertain significance. Last evaluated: 2026-05-14. Review status: criteria provided, single submitter. Criteria: Ambry Variant Classification Scheme 2023. Collection method: clinical testing. Allele origin: germline.
Comment: The p.A1365S variant (also known as c.4093G>T), located in coding exon 11 of the MLH3 gene, results from a G to T substitution at nucleotide position 4093. The alanine at codon 1365 is replaced by serine, an amino acid with similar properties. This amino acid position is conserved. In addition, the in silico prediction for this alteration is inconclusive. Based on the available evidence, the clinical significance of this variant remains unclear.

NM_001040108.2(MLH3):c.4093G>T (p.Ala1365Ser)

Gene: MLH3 (mutL homolog 3; minus strand). Cytogenetic location: 14q24.3.
Variant type: single nucleotide variant.
Coding change: c.4093G>T on transcript NM_001040108.2 (MANE Select); coding-DNA position 4093, G replaced by T.
Protein change: p.Ala1365Ser; replaces alanine 1365 with serine.
Molecular consequence: missense variant.
Genome position (GRCh38, 1-based): chr14:75,018,978, C>A on the plus strand (G>T on the coding strand, the complement: MLH3 is on the minus strand). VCF-style: chr14-75018978-C-A. GRCh37 (hg19) VCF-style: chr14-75485681-C-A.
Other names: c.4021G>T, p.Ala1341Ser (NM_014381.3); short protein forms A1341S, A1365S.
Identifiers: ClinVar variation 4860204 (VCV004860204.1).